The following is an entry in ClinVar:

NM_000465.4(BARD1):c.1741C>T (p.Gln581Ter)

Gene: BARD1 (BRCA1 associated RING domain 1; minus strand). Cytogenetic location: 2q35.
Variant type: single nucleotide variant.
Coding change: c.1741C>T on transcript NM_000465.4 (MANE Select); coding-DNA position 1741, C replaced by T.
Protein change: p.Gln581Ter; replaces glutamine 581 with a stop codon.
Molecular consequence: nonsense. On other transcripts: non-coding transcript variant (3), intron variant (1).
Genome position (GRCh38, 1-based): chr2:214,745,791, G>A on the plus strand (C>T on the coding strand, the complement: BARD1 is on the minus strand). VCF-style: chr2-214745791-G-A. GRCh37 (hg19) VCF-style: chr2-215610515-G-A.
Other names: c.1684C>T, p.Gln562Ter (NM_001282543.2); c.388C>T, p.Gln130Ter (NM_001282545.2); c.331C>T, p.Gln111Ter (NM_001282548.2); c.365-15283C>T (NM_001282549.2); short protein forms Q111*, Q130*, Q562*, Q581*.
Identifiers: ClinVar variation 1070088 (VCV001070088.8), dbSNP rs2106021020, ClinGen allele CA350453017.
Genomic context (GRCh38, chr2:214,745,791, plus strand): 5'-CAAACTCAGTATATTTTTTAGCCTTAAGAATTACTGCAAGCTCACTGAGCATTTTCTGTT[G>A]TTCTGAAGACAGCCCACTGCCTATAAGTACAAGAGGTCCATCCCTACGCTGCCCAGTGTT-3'

ClinVar aggregate classification (germline): Pathogenic (1 of 4 stars; one submission).

Conditions:
Familial cancer of breast. Also called: hereditary breast carcinoma; BREAST CANCER, FAMILIAL; Hereditary breast cancer. Identifiers: Orphanet 227535, MedGen C0346153, MONDO:0016419, OMIM 114480. Disease mechanism: loss of function.

Submission:

Labcorp Genetics (formerly Invitae), Labcorp
Classification: Pathogenic for Familial cancer of breast. Last evaluated: 2024-03-03. Review status: criteria provided, single submitter. Criteria: Invitae Variant Classification Sherloc (09022015). Collection method: clinical testing. Allele origin: germline.
Comment: This sequence change creates a premature translational stop signal (p.Gln581*) in the BARD1 gene. It is expected to result in an absent or disrupted protein product. Loss-of-function variants in BARD1 are known to be pathogenic (PMID: 20077502, 21344236). This variant is not present in population databases (gnomAD no frequency). This variant has not been reported in the literature in individuals affected with BARD1-related conditions. ClinVar contains an entry for this variant (Variation ID: 1070088). For these reasons, this variant has been classified as Pathogenic.

Literature cited by the submitters: PubMed 20077502; PubMed 21344236.